The following is an entry in ClinVar:

ClinVar aggregate classification (germline): Pathogenic/Likely pathogenic. Review status: criteria provided, multiple submitters, no conflicts (2 of 4 stars). 4 submissions from 4 submitters: Pathogenic (2); Likely pathogenic (1). 1 of the submissions does not count toward it. Last evaluated 2023-12-02.

Conditions:
Autosomal recessive Parkinson disease 14. Also called: DYSTONIA-PARKINSONISM, ADULT-ONSET; PARKINSON DISEASE 14. Identifiers: Orphanet 199351, MedGen C2751842, MONDO:0013060, OMIM 612953.
Infantile neuroaxonal dystrophy (NBIA2A). Also called: Infantile neuroaxonal dystrophy 1; SEITELBERGER DISEASE; NEURODEGENERATION WITH BRAIN IRON ACCUMULATION 2A. Identifiers: Orphanet 35069, MedGen C0270724, MONDO:0024457, OMIM 256600.
Neurodegeneration with brain iron accumulation 2B. Also called: NEUROAXONAL DYSTROPHY, ATYPICAL; NEURODEGENERATION WITH BRAIN IRON ACCUMULATION, PLA2G6-RELATED; aNAD; atypical Neuroaxonal Dystrophy (aNAD). Identifiers: Orphanet 35069, MedGen C1857747, MONDO:0012444, OMIM 610217.
Iron accumulation in brain. Identifiers: MedGen C4021076, HP:0012675.

Allele frequency attached by ClinVar (database versions not stated): gnomAD 0.00001; TOPMed below 0.00001.
gnomAD v4.1: 7 of 1,553,926 alleles (0.00045%); highest among the groups gnomAD compares: East Asian, 0.0073%; no homozygotes.

Submissions (4):

Labcorp Genetics (formerly Invitae), Labcorp
Classification: Pathogenic for Infantile neuroaxonal dystrophy. Last evaluated: 2023-12-02. Review status: criteria provided, single submitter. Criteria: Invitae Variant Classification Sherloc (09022015). Collection method: clinical testing. Allele origin: germline.
Comment: This sequence change replaces arginine, which is basic and polar, with tryptophan, which is neutral and slightly polar, at codon 745 of the PLA2G6 protein (p.Arg745Trp). This variant is not present in population databases (gnomAD no frequency). This missense change has been observed in individual(s) with clinical features of infantile neuroaxonal dystrophy (PMID: 16783378, 24800972, 29859652). In at least one individual the data is consistent with being in trans (on the opposite chromosome) from a pathogenic variant. ClinVar contains an entry for this variant (Variation ID: 159762). Advanced modeling of protein sequence and biophysical properties (such as structural, functional, and spatial information, amino acid conservation, physicochemical variation, residue mobility, and thermodynamic stability) performed at Invitae indicates that this missense variant is expected to disrupt PLA2G6 protein function with a positive predictive value of 80%. For these reasons, this variant has been classified as Pathogenic.

Genetic Services Laboratory, University of Chicago
Classification: Pathogenic for iron accumulation in brain. Last evaluated: 2013-02-08. Review status: criteria provided, single submitter. Criteria: ACMG Guidelines, 2007. Collection method: clinical testing. Allele origin: germline. Inheritance: Autosomal recessive inheritance. Affected: yes.

Molecular Genetics Lab, CHRU Brest
Classification: Likely pathogenic for Autosomal recessive Parkinson disease 14; Neurodegeneration with brain iron accumulation 2B; Infantile neuroaxonal dystrophy. Review status: criteria provided, single submitter. Criteria: ACMG Guidelines, 2015. Collection method: clinical testing. Allele origin: inherited. Affected: yes.

Biochemical Molecular Genetic Laboratory, King Abdulaziz Medical City
Classification: Likely pathogenic for Neurodegeneration with brain iron accumulation 2B. Last evaluated: 2019-09-26. Review status: no assertion criteria provided. Collection method: clinical testing. Allele origin: germline. Affected: yes. Not counted in ClinVar's aggregate classification.

Literature cited by the submitters: PubMed 16783378 (cited by Labcorp Genetics (formerly Invitae), Labcorp); PubMed 24800972 (cited by Labcorp Genetics (formerly Invitae), Labcorp); PubMed 29859652 (cited by Labcorp Genetics (formerly Invitae), Labcorp).

NM_003560.4(PLA2G6):c.2233C>T (p.Arg745Trp)

Gene: PLA2G6 (phospholipase A2 group VI; minus strand). Cytogenetic location: 22q13.1.
Variant type: single nucleotide variant.
Coding change: c.2233C>T on transcript NM_003560.4 (MANE Select); coding-DNA position 2233, C replaced by T.
Protein change: p.Arg745Trp; replaces arginine 745 with tryptophan.
Molecular consequence: missense variant.
Genome position (GRCh38, 1-based): chr22:38,112,547, G>A on the plus strand (C>T on the coding strand, the complement: PLA2G6 is on the minus strand). VCF-style: chr22-38112547-G-A. GRCh37 (hg19) VCF-style: chr22-38508554-G-A.
Other names: c.2071C>T, p.Arg691Trp (NM_001004426.3, NM_001199562.3, NM_001349865.2 and 1 more transcripts); c.2233C>T, p.Arg745Trp (NM_001349864.2); c.1699C>T, p.Arg567Trp (NM_001349867.2); c.1555C>T, p.Arg519Trp (NM_001349868.2); c.1537C>T, p.Arg513Trp (NM_001349869.2); short protein forms R745W, R691W, R519W, R567W, R513W.
Identifiers: ClinVar variation 159762 (VCV000159762.11), dbSNP rs587784350, ClinGen allele CA173258.